The following is an entry in ClinVar:

NM_152328.5(ADSS1):c.1356G>A (p.Ser452=)

Gene: ADSS1 (adenylosuccinate synthase 1; plus strand). Cytogenetic location: 14q32.33.
Variant type: single nucleotide variant.
Coding change: c.1356G>A on transcript NM_152328.5 (MANE Select); coding-DNA position 1356, G replaced by A.
Protein change: p.Ser452=; no amino-acid change (serine 452 retained).
Molecular consequence: synonymous variant.
Genome position (GRCh38, 1-based): chr14:104,746,985, G>A. VCF-style: chr14-104746985-G-A. GRCh37 (hg19) VCF-style: chr14-105213322-G-A.
Other names: c.741G>A, p.Ser247= (NM_001320424.1); c.1485G>A, p.Ser495= (NM_199165.2).
Identifiers: ClinVar variation 2178227 (VCV002178227.28), dbSNP rs1033075725, ClinGen allele CA267337844.

ClinVar aggregate classification (germline): Likely benign. Review status: criteria provided, multiple submitters, no conflicts (2 of 4 stars). 2 submissions from 2 submitters: Likely benign (2). Last evaluated 2024-10-03.

Allele frequency attached by ClinVar (database versions not stated): TOPMed 0.00002; gnomAD 0.00003.
gnomAD v4.1: 74 of 1,613,882 alleles (0.0046%); highest among the groups gnomAD compares: Non-Finnish European, 0.0056%; no homozygotes.

Submissions (2):

Labcorp Genetics (formerly Invitae), Labcorp
Classification: Likely benign. Last evaluated: 2024-10-03. Review status: criteria provided, single submitter. Criteria: Invitae Variant Classification Sherloc (09022015). Collection method: clinical testing. Allele origin: germline.

CeGaT Center for Human Genetics Tuebingen
Classification: Likely benign. Last evaluated: 2023-10-01. Review status: criteria provided, single submitter. Criteria: CeGaT Center For Human Genetics Tuebingen Variant Classification Criteria Version 2. Collection method: clinical testing. Allele origin: germline. Affected: yes. Observed: 1 variant allele.
Comment: ADSS1: BP4, BP7